The following is an entry in ClinVar:

NM_020297.4(ABCC9):c.977A>C (p.Asn326Thr)

Gene: ABCC9 (ATP binding cassette subfamily C member 9; minus strand). Cytogenetic location: 12p12.1.
Variant type: single nucleotide variant.
Coding change: c.977A>C on transcript NM_020297.4 (MANE Select); coding-DNA position 977, A replaced by C.
Protein change: p.Asn326Thr; replaces asparagine 326 with threonine.
Molecular consequence: missense variant.
Genome position (GRCh38, 1-based): chr12:21,912,906, T>G on the plus strand (A>C on the coding strand, the complement: ABCC9 is on the minus strand). VCF-style: chr12-21912906-T-G. GRCh37 (hg19) VCF-style: chr12-22065840-T-G.
Other names: c.977A>C, p.Asn326Thr (NM_001377273.1, NM_005691.4); c.113A>C, p.Asn38Thr (NM_001377274.1); short protein forms N326T, N38T.
Identifiers: ClinVar variation 2504253 (VCV002504253.2), dbSNP rs1187106310, ClinGen allele CA384120921.

ClinVar aggregate classification (germline): Uncertain significance. Review status: criteria provided, multiple submitters, no conflicts (2 of 4 stars). 2 submissions from 2 submitters: Uncertain significance (2). Last evaluated 2025-07-09.

Conditions:
Dilated cardiomyopathy 1O (CMD1O). Also called: CARDIOMYOPATHY, DILATED, WITH VENTRICULAR TACHYCARDIA. Identifiers: Orphanet 154, MedGen C1837839, MONDO:0012062, OMIM 608569.

Submissions (2):

Labcorp Genetics (formerly Invitae), Labcorp
Classification: Uncertain significance for Dilated cardiomyopathy 1O. Last evaluated: 2025-07-09. Review status: criteria provided, single submitter. Criteria: Invitae Variant Classification Sherloc (09022015). Collection method: clinical testing. Allele origin: germline.
Comment: This sequence change replaces asparagine, which is neutral and polar, with threonine, which is neutral and polar, at codon 326 of the ABCC9 protein (p.Asn326Thr). This variant is not present in population databases (gnomAD no frequency). This variant has not been reported in the literature in individuals affected with ABCC9-related conditions. ClinVar contains an entry for this variant (Variation ID: 2504253). Invitae Evidence Modeling of protein sequence and biophysical properties (such as structural, functional, and spatial information, amino acid conservation, physicochemical variation, residue mobility, and thermodynamic stability) indicates that this missense variant is not expected to disrupt ABCC9 protein function with a negative predictive value of 80%. In summary, the available evidence is currently insufficient to determine the role of this variant in disease. Therefore, it has been classified as a Variant of Uncertain Significance.

GeneDx
Classification: Uncertain significance. Last evaluated: 2022-12-05. Review status: criteria provided, single submitter. Criteria: GeneDx Variant Classification Process June 2021. Collection method: clinical testing. Allele origin: germline. Affected: yes.
Comment: Not observed at significant frequency in large population cohorts (gnomAD); In silico analysis supports that this missense variant does not alter protein structure/function; Has not been previously published as pathogenic or benign to our knowledge